The following is an entry in ClinVar:

ClinVar aggregate classification (germline): Uncertain significance. Review status: criteria provided, multiple submitters, no conflicts (2 of 4 stars). 3 submissions from 3 submitters: Uncertain significance (2). 1 of the submissions does not count toward it. Last evaluated 2025-11-20.

Conditions:
Inborn genetic diseases. Identifiers: MedGen C0950123, MeSH D030342.
ANXA11-related disorder. Also called: ANXA11-related condition.

gnomAD v4.1: 3 of 1,614,082 alleles (0.00019%); highest among the groups gnomAD compares: Non-Finnish European, 0.00025%; no homozygotes.

Submissions (3):

Ambry Genetics
Classification: Uncertain significance for Inborn genetic diseases. Last evaluated: 2025-11-20. Review status: criteria provided, single submitter. Criteria: Ambry Variant Classification Scheme 2023. Collection method: clinical testing. Allele origin: germline.

Labcorp Genetics (formerly Invitae), Labcorp
Classification: Uncertain significance. Last evaluated: 2024-04-25. Review status: criteria provided, single submitter. Criteria: Invitae Variant Classification Sherloc (09022015). Collection method: clinical testing. Allele origin: germline.
Comment: This sequence change replaces leucine, which is neutral and non-polar, with proline, which is neutral and non-polar, at codon 440 of the ANXA11 protein (p.Leu440Pro). This variant is not present in population databases (gnomAD no frequency). This variant has not been reported in the literature in individuals affected with ANXA11-related conditions. An algorithm developed to predict the effect of missense changes on protein structure and function (PolyPhen-2) suggests that this variant is likely to be disruptive. In summary, the available evidence is currently insufficient to determine the role of this variant in disease. Therefore, it has been classified as a Variant of Uncertain Significance.

PreventionGenetics, part of Exact Sciences
Classification: Uncertain significance for ANXA11-related condition. Last evaluated: 2024-03-14. Review status: no assertion criteria provided. Collection method: clinical testing. Allele origin: germline. Not counted in ClinVar's aggregate classification.
Comment: The ANXA11 c.1319T>C variant is predicted to result in the amino acid substitution p.Leu440Pro. To our knowledge, this variant has not been reported in the literature or in a large population database, indicating this variant is rare. At this time, the clinical significance of this variant is uncertain due to the absence of conclusive functional and genetic evidence.

NM_145868.2(ANXA11):c.1319T>C (p.Leu440Pro)

Gene: ANXA11 (annexin A11; minus strand). Cytogenetic location: 10q22.3.
Variant type: single nucleotide variant.
Coding change: c.1319T>C on transcript NM_145868.2 (MANE Select); coding-DNA position 1319, T replaced by C.
Protein change: p.Leu440Pro; replaces leucine 440 with proline.
Molecular consequence: missense variant.
Genome position (GRCh38, 1-based): chr10:80,157,983, A>G on the plus strand (T>C on the coding strand, the complement: ANXA11 is on the minus strand). VCF-style: chr10-80157983-A-G. GRCh37 (hg19) VCF-style: chr10-81917739-A-G.
Other names: c.1319T>C (NM_001157.2); c.1319T>C, p.Leu440Pro (NM_001157.3, NM_001278407.2, NM_001278408.2 and 1 more transcripts); c.1220T>C, p.Leu407Pro (NM_001278409.2); short protein forms L407P, L440P.
Identifiers: ClinVar variation 3349137 (VCV003349137.4).